The following is an entry in ClinVar:

ClinVar aggregate classification (germline): Uncertain significance (1 of 4 stars; one submission).

Conditions:
Diffuse cerebral and cerebellar atrophy - intractable seizures - progressive microcephaly syndrome. Also called: Microcephaly, progressive, with seizures and cerebral and cerebellar atrophy. Identifiers: Orphanet 404437, MedGen C4014239, MONDO:0014335, OMIM 615760.

Allele frequency attached by ClinVar (database versions not stated): gnomAD 0.00001; TOPMed 0.00002.

Submission:

Labcorp Genetics (formerly Invitae), Labcorp
Classification: Uncertain significance for Diffuse cerebral and cerebellar atrophy - intractable seizures - progressive microcephaly syndrome. Last evaluated: 2022-08-13. Review status: criteria provided, single submitter. Criteria: Invitae Variant Classification Sherloc (09022015). Collection method: clinical testing. Allele origin: germline.
Comment: This sequence change replaces lysine, which is basic and polar, with asparagine, which is neutral and polar, at codon 759 of the QARS protein (p.Lys759Asn). This variant also falls at the last nucleotide of exon 23, which is part of the consensus splice site for this exon. This variant is present in population databases (no rsID available, gnomAD 0.01%). This variant has not been reported in the literature in individuals affected with QARS-related conditions. Algorithms developed to predict the effect of missense changes on protein structure and function (SIFT, PolyPhen-2, Align-GVGD) all suggest that this variant is likely to be tolerated. Variants that disrupt the consensus splice site are a relatively common cause of aberrant splicing (PMID: 17576681, 9536098). Algorithms developed to predict the effect of sequence changes on RNA splicing suggest that this variant may disrupt the consensus splice site. In summary, the available evidence is currently insufficient to determine the role of this variant in disease. Therefore, it has been classified as a Variant of Uncertain Significance.

Literature cited by the submitters: PubMed 17576681; PubMed 9536098.

NM_005051.3(QARS1):c.2277G>T (p.Lys759Asn)

Gene: QARS1 (glutaminyl-tRNA synthetase 1; minus strand). Cytogenetic location: 3p21.31.
Variant type: single nucleotide variant.
Coding change: c.2277G>T on transcript NM_005051.3 (MANE Select); coding-DNA position 2277, G replaced by T.
Protein change: p.Lys759Asn; replaces lysine 759 with asparagine.
Molecular consequence: missense variant. On other transcripts: non-coding transcript variant (1).
Genome position (GRCh38, 1-based): chr3:49,097,992, C>A on the plus strand (G>T on the coding strand, the complement: QARS1 is on the minus strand). VCF-style: chr3-49097992-C-A. GRCh37 (hg19) VCF-style: chr3-49135425-C-A.
Other names: c.2244G>T, p.Lys748Asn (NM_001272073.2); short protein forms K748N, K759N.
Identifiers: ClinVar variation 2421412 (VCV002421412.3), dbSNP rs1324687960, ClinGen allele CA352696402.
Genomic context (GRCh38, chr3:49,097,992, plus strand): 5'-ACAATGAACGGCAGCCACTGTCACTGCTGCAGATGAGGGCAGGTGAGTAAAGTCAAGCAC[C>A]TTTCCCTGATGGCTGTCTGGATCCACGGAGAAATATCCAAGACGCTCAAACTGGAACTTG-3'
Protein context (NP_005042.1, residues 749-769): FSVDPDSHQG[Lys759Asn]LVFNRTVTLK